The following is an entry in ClinVar:

NM_001378030.1(CCDC78):c.1120A>G (p.Thr374Ala)

Gene: CCDC78 (coiled-coil domain containing 78; minus strand). Cytogenetic location: 16p13.3.
Variant type: single nucleotide variant.
Coding change: c.1120A>G on transcript NM_001378030.1 (MANE Select); coding-DNA position 1120, A replaced by G.
Protein change: p.Thr374Ala; replaces threonine 374 with alanine.
Molecular consequence: missense variant. On other transcripts: non-coding transcript variant (5), intron variant (1).
Genome position (GRCh38, 1-based): chr16:723,870, T>C on the plus strand (A>G on the coding strand, the complement: CCDC78 is on the minus strand). VCF-style: chr16-723870-T-C. GRCh37 (hg19) VCF-style: chr16-773870-T-C.
Other names: c.1120A>G, p.Thr374Ala (NM_001031737.3); c.553A>G, p.Thr185Ala (NM_001378033.1); c.953+452A>G (NM_001378031.1); short protein forms T185A, T374A.
Identifiers: ClinVar variation 3623186 (VCV003623186.2).
Genomic context (GRCh38, chr16:723,870, plus strand): 5'-TCTGCTCATCCCCCACAGGCCTCCCCCACACCCATGAGGGCACTCACTGTGGCTCTGATG[T>C]TCCCCCCTGGGAGGCTCCACCGGGTCTCTTTTTTGGGGATGAGAGCAGTGCCCCAGGCCC-3'
Protein context (NP_001364959.1, residues 364-384): KRPGGASQGG[Thr374Ala]SEPQGLDAAS

ClinVar aggregate classification (germline): Uncertain significance (1 of 4 stars; one submission).

Conditions:
Congenital myopathy with internal nuclei and atypical cores. Also called: Myopathy, centronuclear, 4. Identifiers: Orphanet 319160, MedGen C4707232, MONDO:0013890, OMIM 614807.

gnomAD v4.1: 2 of 1,592,656 alleles (0.00013%); highest among the groups gnomAD compares: Non-Finnish European, 0.00017%; no homozygotes.

Submission:

Labcorp Genetics (formerly Invitae), Labcorp
Classification: Uncertain significance for Congenital myopathy with internal nuclei and atypical cores. Last evaluated: 2024-02-22. Review status: criteria provided, single submitter. Criteria: Invitae Variant Classification Sherloc (09022015). Collection method: clinical testing. Allele origin: germline.
Comment: This sequence change replaces threonine, which is neutral and polar, with alanine, which is neutral and non-polar, at codon 374 of the CCDC78 protein (p.Thr374Ala). This variant is not present in population databases (gnomAD no frequency). This variant has not been reported in the literature in individuals affected with CCDC78-related conditions. Advanced modeling of protein sequence and biophysical properties (such as structural, functional, and spatial information, amino acid conservation, physicochemical variation, residue mobility, and thermodynamic stability) performed at Invitae indicates that this missense variant is not expected to disrupt CCDC78 protein function with a negative predictive value of 80%. In summary, the available evidence is currently insufficient to determine the role of this variant in disease. Therefore, it has been classified as a Variant of Uncertain Significance.